The following is an entry in ClinVar:

ClinVar aggregate classification (germline): Likely benign (1 of 4 stars; one submission).

Allele frequency attached by ClinVar (database versions not stated): gnomAD exomes below 0.00001.
gnomAD v4.1: 1 of 1,212,096 alleles (0.000083%); highest among the groups gnomAD compares: Non-Finnish European, 0.00011%; no homozygotes.

Submission:

CeGaT Center for Human Genetics Tuebingen
Classification: Likely benign. Last evaluated: 2023-11-01. Review status: criteria provided, single submitter. Criteria: CeGaT Center For Human Genetics Tuebingen Variant Classification Criteria Version 2. Collection method: clinical testing. Allele origin: germline. Affected: yes. Observed: 1 variant allele.
Comment: BCOR: PM2:Supporting, BP4, BP7

NM_001123385.2(BCOR):c.1083T>C (p.Tyr361=)

Genes: BCOR (BCL6 corepressor; minus strand), LOC126863239 (MED14-independent group 3 enhancer GRCh37_chrX:39932994-39934193; plus strand). Cytogenetic location: Xp11.4.
Variant type: single nucleotide variant.
Coding change: c.1083T>C on transcript NM_001123385.2 (MANE Select); coding-DNA position 1083, T replaced by C.
Protein change: p.Tyr361=; no amino-acid change (tyrosine 361 retained).
Molecular consequence: synonymous variant.
Genome position (GRCh38, 1-based): chrX:40,074,263, A>G on the plus strand (T>C on the coding strand, the complement: BCOR is on the minus strand). VCF-style: chrX-40074263-A-G. GRCh37 (hg19) VCF-style: chrX-39933516-A-G.
Other names: c.1083T>C, p.Tyr361= (NM_001123383.2, NM_001123384.2, NM_017745.6).
Identifiers: ClinVar variation 2673224 (VCV002673224.23), dbSNP rs2520053563, ClinGen allele CA516346424.